The following is an entry in ClinVar:

ClinVar aggregate classification (germline): Benign. Review status: criteria provided, single submitter (1 of 4 stars). 2 submissions from 2 submitters: Benign (1). 1 of the submissions does not count toward it. Last evaluated 2025-11-12.

Conditions:
HERC1-related disorder. Also called: HERC1-related condition.

Allele frequency attached by ClinVar (database versions not stated): ESP Exome Variant Server 0.00008; gnomAD exomes 0.00035 and 0.00141; gnomAD 0.00043 and 0.00057; TOPMed 0.00080; ExAC 0.00134; 1000 Genomes Project 0.00280; 1000 Genomes Project 30x 0.00297.
gnomAD v4.1: 606 of 1,614,028 alleles (0.038%); highest among the groups gnomAD compares: East Asian, 1.3%; 4 homozygotes.

Submissions (2):

Labcorp Genetics (formerly Invitae), Labcorp
Classification: Benign. Last evaluated: 2025-11-12. Review status: criteria provided, single submitter. Criteria: Invitae Variant Classification Sherloc (09022015). Collection method: clinical testing. Allele origin: germline.

PreventionGenetics, part of Exact Sciences
Classification: Likely benign for HERC1-related condition. Last evaluated: 2020-07-01. Review status: no assertion criteria provided. Collection method: clinical testing. Allele origin: germline. Not counted in ClinVar's aggregate classification.
Comment: This variant is classified as likely benign based on ACMG/AMP sequence variant interpretation guidelines (Richards et al. 2015 PMID: 25741868, with internal and published modifications).

NM_003922.4(HERC1):c.8444G>A (p.Gly2815Glu)

Gene: HERC1 (HECT and RLD domain containing E3 ubiquitin protein ligase family member 1; minus strand). Cytogenetic location: 15q22.31.
Variant type: single nucleotide variant.
Coding change: c.8444G>A on transcript NM_003922.4 (MANE Select); coding-DNA position 8444, G replaced by A.
Protein change: p.Gly2815Glu; replaces glycine 2815 with glutamic acid.
Molecular consequence: missense variant.
Genome position (GRCh38, 1-based): chr15:63,666,030, C>T on the plus strand (G>A on the coding strand, the complement: HERC1 is on the minus strand). VCF-style: chr15-63666030-C-T. GRCh37 (hg19) VCF-style: chr15-63958229-C-T.
Other names: c.8444G>A (NM_003922.3); short protein forms G2815E.
Identifiers: ClinVar variation 1600144 (VCV001600144.10), dbSNP rs149457868, ClinGen allele CA7604945.